The following is an entry in ClinVar:

NM_004370.6(COL12A1):c.8593C>G (p.Pro2865Ala)

Gene: COL12A1 (collagen type XII alpha 1 chain; minus strand). Cytogenetic location: 6q13.
Variant type: single nucleotide variant.
Coding change: c.8593C>G on transcript NM_004370.6 (MANE Select); coding-DNA position 8593, C replaced by G.
Protein change: p.Pro2865Ala; replaces proline 2865 with alanine.
Molecular consequence: missense variant.
Genome position (GRCh38, 1-based): chr6:75,095,164, G>C on the plus strand (C>G on the coding strand, the complement: COL12A1 is on the minus strand). VCF-style: chr6-75095164-G-C. GRCh37 (hg19) VCF-style: chr6-75804880-G-C.
Other names: c.8593C>G, p.Pro2865Ala (NM_001424113.1); c.8572C>G, p.Pro2858Ala (NM_001424114.1); c.8320C>G, p.Pro2774Ala (NM_001424115.1); c.5101C>G, p.Pro1701Ala (NM_001424116.1, NM_080645.3); short protein forms P2774A, P2858A, P1701A, P2865A.
Identifiers: ClinVar variation 4794017 (VCV004794017.1).

ClinVar aggregate classification (germline): Uncertain significance (1 of 4 stars; one submission).

Conditions:
Ullrich congenital muscular dystrophy 2 (UCMD2). Identifiers: Orphanet 75840, MedGen C4225314, MONDO:0014654, OMIM 616470.
Bethlem myopathy 2 (BTHLM2). Identifiers: Orphanet 536516, Orphanet 610, MedGen C4225313, MONDO:0034022, OMIM 616471.

gnomAD v4.1: 7 of 1,613,944 alleles (0.00043%); highest among the groups gnomAD compares: Non-Finnish European, 0.00059%; no homozygotes.

Submission:

Labcorp Genetics (formerly Invitae), Labcorp
Classification: Uncertain significance for Bethlem myopathy 2; Ullrich congenital muscular dystrophy 2. Last evaluated: 2025-08-17. Review status: criteria provided, single submitter. Criteria: Invitae Variant Classification Sherloc (09022015). Collection method: clinical testing. Allele origin: germline.
Comment: This sequence change replaces proline, which is neutral and non-polar, with alanine, which is neutral and non-polar, at codon 2865 of the COL12A1 protein (p.Pro2865Ala). This variant is not present in population databases (gnomAD no frequency). This variant has not been reported in the literature in individuals affected with COL12A1-related conditions. An algorithm developed to predict the effect of missense changes on protein structure and function (PolyPhen-2) suggests that this variant is likely to be disruptive. In summary, the available evidence is currently insufficient to determine the role of this variant in disease. Therefore, it has been classified as a Variant of Uncertain Significance.